The following is an entry in ClinVar:

ClinVar aggregate classification (germline): Likely pathogenic (1 of 4 stars; one submission).

Conditions:
Autosomal recessive nonsyndromic hearing loss 3. Also called: NEUROSENSORY NONSYNDROMIC RECESSIVE DEAFNESS 3. Identifiers: Orphanet 90636, MedGen C1838263, MONDO:0010860, OMIM 600316.

Submission:

Human Genetics Bochum, Ruhr University Bochum
Classification: Likely pathogenic for Autosomal recessive nonsyndromic hearing loss 3. Last evaluated: 2025-09-03. Review status: criteria provided, single submitter. Criteria: ACMG Guidelines, 2015. Collection method: clinical testing. Allele origin: germline. Affected: yes.
Comment: in compound heterozygous state with c.343del; ACMG criteria used to clasify this variant: PVS1_STR, PM3, PM2_SUP

NM_016239.4(MYO15A):c.10117_10136del (p.Tyr3373fs)

Gene: MYO15A (myosin XVA; plus strand). Cytogenetic location: 17p11.2.
Variant type: Deletion.
Coding change: c.10117_10136del on transcript NM_016239.4 (MANE Select); coding-DNA positions 10117 to 10136, 20 bases deleted (TACCGTACAACGGCAGGCTC).
Protein change: p.Tyr3373fs; shifts the reading frame from tyrosine 3373.
Molecular consequence: frameshift variant.
Genome position (GRCh38, 1-based): chr17:18,171,672-18,171,691, TACCGTACAACGGCAGGCTC deleted; deleting any 20 consecutive bases within chr17:18,171,668-18,171,691 gives the same sequence; the c. name uses the placement nearest the transcript's 3' end. VCF-style (leftmost placement, unchanged base first): chr17-18171667-AGCTCTACCGTACAACGGCAG-A. GRCh37 (hg19) VCF-style: chr17-18074981-AGCTCTACCGTACAACGGCAG-A.
Other names: short protein forms Y3373fs.
Identifiers: ClinVar variation 4687951 (VCV004687951.1).